The following is an entry in ClinVar:

NM_000152.5(GAA):c.1551+42G>A

Gene: GAA (alpha glucosidase; plus strand). Cytogenetic location: 17q25.3.
Variant type: single nucleotide variant.
Coding change: c.1551+42G>A on transcript NM_000152.5 (MANE Select); 42 bases into the intron after coding-DNA position 1551, G replaced by A.
Molecular consequence: intron variant.
Genome position (GRCh38, 1-based): chr17:80,110,882, G>A. VCF-style: chr17-80110882-G-A. GRCh37 (hg19) VCF-style: chr17-78084681-G-A.
Other names: c.1551+42G>A (NM_001079803.3, NM_001079804.3).
Identifiers: ClinVar variation 496841 (VCV000496841.9), dbSNP rs115427918, ClinGen allele CA8815371.

ClinVar aggregate classification (germline): Benign. Review status: criteria provided, multiple submitters, no conflicts (2 of 4 stars). 3 submissions from 3 submitters: Benign (3). Last evaluated 2026-07-01.

Conditions:
Glycogen storage disease, type II (IOPD). Also called: POMPE DISEASE, INFANTILE-ONSET; GLYCOGEN STORAGE DISEASE II, INFANTILE-ONSET; ACID ALPHA-GLUCOSIDASE DEFICIENCY, INFANTILE-ONSET; GAA DEFICIENCY, INFANTILE-ONSET; ACID MALTASE DEFICIENCY, INFANTILE-ONSET; CARDIOMEGALIA GLYCOGENICA DIFFUSA. Identifiers: Orphanet 365, MedGen C0017921, MONDO:0009290, OMIM 232300.

Allele frequency attached by ClinVar (database versions not stated): gnomAD exomes 0.00107 and 0.00235; ExAC 0.00275; gnomAD 0.00854 and 0.00904; 1000 Genomes Project 0.01178; 1000 Genomes Project 30x 0.01343; ESP Exome Variant Server 0.00869; TOPMed 0.00929.

Submissions (3):

Genomenon, Inc
Classification: Benign for Glycogen storage disease, type II. Last evaluated: 2026-07-01. Review status: criteria provided, single submitter. Criteria: Genomenon Sequence Variant Interpretation Standards - Updated. Collection method: curation. Allele origin: germline. Affected: no.
Comment: GAA c.1551+42G>A is an intronic variant located in intron 10. This variant is present at high allele frequency in population databases. We classify GAA c.1551+42G>A as a benign variant.

Eurofins Ntd Llc (ga)
Classification: Benign. Last evaluated: 2017-02-01. Review status: criteria provided, single submitter. Criteria: EGL Classification Definitions 2015. Collection method: clinical testing. Allele origin: germline. Observed: 3 variant alleles, 1 heterozygote, 2 homozygotes.

GeneDx
Classification: Benign. Last evaluated: 2015-03-03. Review status: criteria provided, single submitter. Criteria: GeneDx Variant Classification Process June 2021. Collection method: clinical testing. Allele origin: germline. Affected: yes.